The following is an entry in ClinVar:

ClinVar aggregate classification (germline): Uncertain significance. Review status: criteria provided, multiple submitters, no conflicts (2 of 4 stars). 2 submissions from 2 submitters: Uncertain significance (2). Last evaluated 2023-09-19.

Conditions:
Autosomal dominant spastic paraplegia type 9. Identifiers: MedGen C1832669, MONDO:0015091.
de Barsy syndrome. Also called: Cutis laxa-corneal clouding-oligophrenia syndrome. Identifiers: Orphanet 2962, MedGen C0268354, MONDO:0017569.
Cutis laxa, autosomal dominant 3 (ADCL3). Identifiers: Orphanet 90348, MedGen C4225268, MONDO:0014706, OMIM 616603.

Allele frequency attached by ClinVar (database versions not stated): gnomAD exomes 0.00001.
gnomAD v4.1: 5 of 1,614,194 alleles (0.00031%); highest among the groups gnomAD compares: Non-Finnish European, 0.00042%; no homozygotes.

Submissions (2):

Labcorp Genetics (formerly Invitae), Labcorp
Classification: Uncertain significance for Autosomal dominant spastic paraplegia type 9; de Barsy syndrome; Cutis laxa, autosomal dominant 3. Last evaluated: 2023-09-19. Review status: criteria provided, single submitter. Criteria: Invitae Variant Classification Sherloc (09022015). Collection method: clinical testing. Allele origin: germline.
Comment: This sequence change replaces isoleucine, which is neutral and non-polar, with threonine, which is neutral and polar, at codon 685 of the ALDH18A1 protein (p.Ile685Thr). This variant is not present in population databases (gnomAD no frequency). This variant has not been reported in the literature in individuals affected with ALDH18A1-related conditions. ClinVar contains an entry for this variant (Variation ID: 1301011). Advanced modeling of protein sequence and biophysical properties (such as structural, functional, and spatial information, amino acid conservation, physicochemical variation, residue mobility, and thermodynamic stability) has been performed at Invitae for this missense variant, however the output from this modeling did not meet the statistical confidence thresholds required to predict the impact of this variant on ALDH18A1 protein function. In summary, the available evidence is currently insufficient to determine the role of this variant in disease. Therefore, it has been classified as a Variant of Uncertain Significance.

GeneDx
Classification: Uncertain significance. Last evaluated: 2021-09-20. Review status: criteria provided, single submitter. Criteria: GeneDx Variant Classification Process June 2021. Collection method: clinical testing. Allele origin: germline. Affected: yes.
Comment: Not observed at significant frequency in large population cohorts (Lek et al., 2016); In silico analysis supports that this missense variant has a deleterious effect on protein structure/function; Has not been previously published as pathogenic or benign to our knowledge

NM_002860.4(ALDH18A1):c.2054T>C (p.Ile685Thr)

Gene: ALDH18A1 (aldehyde dehydrogenase 18 family member A1; minus strand). Cytogenetic location: 10q24.1.
Variant type: single nucleotide variant.
Coding change: c.2054T>C on transcript NM_002860.4 (MANE Select); coding-DNA position 2054, T replaced by C.
Protein change: p.Ile685Thr; replaces isoleucine 685 with threonine.
Molecular consequence: missense variant.
Genome position (GRCh38, 1-based): chr10:95,611,312, A>G on the plus strand (T>C on the coding strand, the complement: ALDH18A1 is on the minus strand). VCF-style: chr10-95611312-A-G. GRCh37 (hg19) VCF-style: chr10-97371069-A-G.
Other names: c.2048T>C, p.Ile683Thr (NM_001017423.2, NM_001323415.2); c.1721T>C, p.Ile574Thr (NM_001323412.2, NM_001323416.2); c.2054T>C, p.Ile685Thr (NM_001323413.2, NM_001323414.2); c.1949T>C, p.Ile650Thr (NM_001323417.2); c.1715T>C, p.Ile572Thr (NM_001323418.2); c.1418T>C, p.Ile473Thr (NM_001323419.2); short protein forms I473T, I572T, I574T, I650T, I683T, I685T.
Identifiers: ClinVar variation 1301011 (VCV001301011.5), dbSNP rs2139530175, ClinGen allele CA377699906.